The following is an entry in ClinVar:

ClinVar aggregate classification (germline): Pathogenic (1 of 4 stars; one submission).

Conditions:
Polycystic kidney disease, adult type (PKD1). Also called: Polycystic Kidney Disease 1, Autosomal Dominant; POLYCYSTIC KIDNEY DISEASE, ADULT, TYPE I; Polycystic kidney disease 1; Polycystic kidney disease 1, severe; POLYCYSTIC KIDNEY DISEASE 1 WITH OR WITHOUT POLYCYSTIC LIVER DISEASE; Polycystic Kidney, Autosomal Dominant. Identifiers: MedGen C3149841, MONDO:0008263, OMIM 173900.

Submission:

Juno Genomics, Hangzhou Juno Genomics, Inc
Classification: Pathogenic for Polycystic kidney disease, adult type. Review status: criteria provided, single submitter. Criteria: ACMG Guidelines, 2015. Collection method: clinical testing. Allele origin: germline.
Comment: Absent from controls (or at extremely low frequency if recessive) in Genome Aggregation Database.;Null variant in a gene where loss of function (LOF) is a known mechanism of disease.;Patient's phenotype or family history is highly specific for a disease with a single genetic etiology.

NM_001009944.3(PKD1):c.5918_5928del (p.Gly1973fs)

Gene: PKD1 (polycystin 1, transient receptor potential channel interacting; minus strand). Cytogenetic location: 16p13.3.
Variant type: Deletion.
Coding change: c.5918_5928del on transcript NM_001009944.3 (MANE Select); coding-DNA positions 5918 to 5928, 11 bases deleted (GGCTGCAGGTG).
Protein change: p.Gly1973fs; shifts the reading frame from glycine 1973.
Molecular consequence: frameshift variant.
Genome position (GRCh38, 1-based): chr16:2,109,239-2,109,249, CACCTGCAGCC deleted on the plus strand (GGCTGCAGGTG on the coding strand, the reverse complement: PKD1 is on the minus strand); deleting any 11 consecutive bases within chr16:2,109,239-2,109,252 gives the same sequence; the c. name uses the placement nearest the transcript's 3' end. VCF-style (leftmost placement, unchanged base first): chr16-2109238-GCACCTGCAGCC-G. GRCh37 (hg19) VCF-style: chr16-2159239-GCACCTGCAGCC-G.
Other names: c.5918_5928del, p.Gly1973fs (NM_000296.4); short protein forms G1973fs.
Identifiers: ClinVar variation 5019784 (VCV005019784.2).